The following is an entry in ClinVar:

ClinVar aggregate classification (germline): Uncertain significance (1 of 4 stars; one submission).

Allele frequency attached by ClinVar (database versions not stated): ExAC 0.00001.
gnomAD v4.1: 4 of 1,608,078 alleles (0.00025%); highest among the groups gnomAD compares: Non-Finnish European, 0.00025%; no homozygotes.

Submission:

Labcorp Genetics (formerly Invitae), Labcorp
Classification: Uncertain significance. Last evaluated: 2023-03-02. Review status: criteria provided, single submitter. Criteria: Invitae Variant Classification Sherloc (09022015). Collection method: clinical testing. Allele origin: germline.
Comment: In summary, the available evidence is currently insufficient to determine the role of this variant in disease. Therefore, it has been classified as a Variant of Uncertain Significance. Variants that disrupt the consensus splice site are a relatively common cause of aberrant splicing (PMID: 17576681, 9536098). Algorithms developed to predict the effect of sequence changes on RNA splicing suggest that this variant may disrupt the consensus splice site. This variant has not been reported in the literature in individuals affected with RIMS1-related conditions. The frequency data for this variant in the population databases is considered unreliable, as metrics indicate poor data quality at this position in the gnomAD database. This sequence change falls in intron 28 of the RIMS1 gene. It does not directly change the encoded amino acid sequence of the RIMS1 protein. It affects a nucleotide within the consensus splice site.

Literature cited by the submitters: PubMed 17576681; PubMed 9536098.

NM_014989.7(RIMS1):c.4130+6T>C

Gene: RIMS1 (regulating synaptic membrane exocytosis 1; plus strand). Cytogenetic location: 6q13.
Variant type: single nucleotide variant.
Coding change: c.4130+6T>C on transcript NM_014989.7 (MANE Select); 6 bases into the intron after coding-DNA position 4130, T replaced by C.
Molecular consequence: intron variant.
Genome position (GRCh38, 1-based): chr6:72,313,678, T>C. VCF-style: chr6-72313678-T-C. GRCh37 (hg19) VCF-style: chr6-73023381-T-C.
Other names: c.1823+6T>C (NM_001350474.2); c.1693+21632T>C (NM_001350472.2); c.1744+21632T>C (NM_001350428.2); c.1952+6T>C (NM_001350459.2); c.1672+21632T>C (NM_001350424.2); c.2033+6T>C (NM_001350437.2); c.1741+21632T>C (NM_001350430.2, NM_001168408.2); c.1949+6T>C (NM_001350421.2); and 51 more.
Identifiers: ClinVar variation 2793653 (VCV002793653.3), dbSNP rs771107216, ClinGen allele CA3886445.